The following is an entry in ClinVar:

NM_000243.3(MEFV):c.683C>T (p.Pro228Leu)

Gene: MEFV (MEFV innate immunity regulator, pyrin; minus strand). Cytogenetic location: 16p13.3.
Variant type: single nucleotide variant.
Coding change: c.683C>T on transcript NM_000243.3 (MANE Select); coding-DNA position 683, C replaced by T.
Protein change: p.Pro228Leu; replaces proline 228 with leucine.
Molecular consequence: missense variant. On other transcripts: intron variant (1).
Genome position (GRCh38, 1-based): chr16:3,254,385, G>A on the plus strand (C>T on the coding strand, the complement: MEFV is on the minus strand). VCF-style: chr16-3254385-G-A. GRCh37 (hg19) VCF-style: chr16-3304385-G-A.
Other names: c.277+1926C>T (NM_001198536.2); short protein forms P228L.
Identifiers: ClinVar variation 2417768 (VCV002417768.6), dbSNP rs776356820, ClinGen allele CA7860351.

ClinVar aggregate classification (germline): Uncertain significance. Review status: criteria provided, multiple submitters, no conflicts (2 of 4 stars). 2 submissions from 2 submitters: Uncertain significance (2). Last evaluated 2023-02-14.

Conditions:
Familial Mediterranean fever (FMF). Also called: POLYSEROSITIS, FAMILIAL PAROXYSMAL; POLYSEROSITIS, RECURRENT; Periodic peritonitis; Benign paroxysmal peritonitis. Identifiers: Orphanet 342, MedGen C0031069, MONDO:0018088, OMIM 249100. Disease mechanism: gain of function.
MEFV-related disorder. Also called: MEFV-related disorders; MEFV-related condition.

Allele frequency attached by ClinVar (database versions not stated): gnomAD 0.00002; gnomAD exomes below 0.00001; ExAC 0.00002; TOPMed 0.00002.
gnomAD v4.1: 5 of 1,613,956 alleles (0.00031%); highest among the groups gnomAD compares: African/African-American, 0.004%; no homozygotes.

Submissions (2):

PreventionGenetics, part of Exact Sciences
Classification: Uncertain significance for MEFV-related condition. Last evaluated: 2023-02-14. Review status: criteria provided, single submitter. Criteria: ACMG Guidelines, 2015. Collection method: clinical testing. Allele origin: germline.
Comment: The MEFV c.683C>T variant is predicted to result in the amino acid substitution p.Pro228Leu. To our knowledge, this variant has not been reported in the literature. This variant is reported in 0.0080% of alleles in individuals of African descent in gnomAD. At this time, the clinical significance of this variant is uncertain due to the absence of conclusive functional and genetic evidence.

Labcorp Genetics (formerly Invitae), Labcorp
Classification: Uncertain significance for Familial Mediterranean fever. Last evaluated: 2022-08-26. Review status: criteria provided, single submitter. Criteria: Invitae Variant Classification Sherloc (09022015). Collection method: clinical testing. Allele origin: germline.
Comment: In summary, the available evidence is currently insufficient to determine the role of this variant in disease. Therefore, it has been classified as a Variant of Uncertain Significance. Algorithms developed to predict the effect of missense changes on protein structure and function output the following: SIFT: "Tolerated"; PolyPhen-2: "Benign"; Align-GVGD: "Class C0". The leucine amino acid residue is found in multiple mammalian species, which suggests that this missense change does not adversely affect protein function. This variant has not been reported in the literature in individuals affected with MEFV-related conditions. This variant is present in population databases (rs776356820, gnomAD 0.008%). This sequence change replaces proline, which is neutral and non-polar, with leucine, which is neutral and non-polar, at codon 228 of the MEFV protein (p.Pro228Leu).